The following is an entry in ClinVar:

NM_030632.3(ASXL3):c.3869C>T (p.Thr1290Ile)

Gene: ASXL3 (ASXL transcriptional regulator 3; plus strand). Cytogenetic location: 18q12.1.
Variant type: single nucleotide variant.
Coding change: c.3869C>T on transcript NM_030632.3 (MANE Select); coding-DNA position 3869, C replaced by T.
Protein change: p.Thr1290Ile; replaces threonine 1290 with isoleucine.
Molecular consequence: missense variant.
Genome position (GRCh38, 1-based): chr18:33,743,717, C>T. VCF-style: chr18-33743717-C-T. GRCh37 (hg19) VCF-style: chr18-31323681-C-T.
Other names: short protein forms T1290I.
Identifiers: ClinVar variation 3958351 (VCV003958351.5).
Genomic context (GRCh38, chr18:33,743,717, plus strand): 5'-CAAACACTACAATTTCTGCTTGTAATATAAGCATGTTAAAAACCATCCAGGGAACTGACA[C>T]TCCATGCATAGCCATTATACCAAAATGTATTGAAAGCACTCCCATTTCAGCCACTACAGA-3'
Protein context (NP_085135.1, residues 1280-1300): SMLKTIQGTD[Thr1290Ile]PCIAIIPKCI

ClinVar aggregate classification (germline): Likely benign. Review status: criteria provided, multiple submitters, no conflicts (2 of 4 stars). 2 submissions from 2 submitters: Likely benign (2). Last evaluated 2026-03-01.

Conditions:
Inborn genetic diseases. Identifiers: MedGen C0950123, MeSH D030342.

Submissions (2):

CeGaT Center for Human Genetics Tuebingen
Classification: Likely benign. Last evaluated: 2026-03-01. Review status: criteria provided, single submitter. Criteria: CeGaT Center For Human Genetics Tuebingen Variant Classification Criteria Version 2. Collection method: clinical testing. Allele origin: germline. Affected: yes. Observed: 1 variant allele.
Comment: ASXL3: BP4, BS2

Ambry Genetics
Classification: Likely benign for Inborn genetic diseases. Last evaluated: 2025-04-13. Review status: criteria provided, single submitter. Criteria: Ambry Variant Classification Scheme 2023. Collection method: clinical testing. Allele origin: germline.